The following is an entry in ClinVar:

ClinVar aggregate classification (germline): Likely pathogenic (1 of 4 stars; one submission).

Allele frequency attached by ClinVar (database versions not stated): gnomAD exomes below 0.00001.

Submission:

Labcorp Genetics (formerly Invitae), Labcorp
Classification: Likely pathogenic. Last evaluated: 2023-05-22. Review status: criteria provided, single submitter. Criteria: Invitae Variant Classification Sherloc (09022015). Collection method: clinical testing. Allele origin: germline.
Comment: ClinVar contains an entry for this variant (Variation ID: 1068201). This sequence change affects an acceptor splice site in intron 13 of the ACAD9 gene. It is expected to disrupt RNA splicing. Variants that disrupt the donor or acceptor splice site typically lead to a loss of protein function (PMID: 16199547), and loss-of-function variants in ACAD9 are known to be pathogenic (PMID: 25721401). This variant is not present in population databases (gnomAD no frequency). This variant has not been reported in the literature in individuals affected with ACAD9-related conditions. Algorithms developed to predict the effect of sequence changes on RNA splicing suggest that this variant may disrupt the consensus splice site. In summary, the currently available evidence indicates that the variant is pathogenic, but additional data are needed to prove that conclusively. Therefore, this variant has been classified as Likely Pathogenic.

Literature cited by the submitters: PubMed 16199547; PubMed 25721401.

NM_014049.5(ACAD9):c.1359-2A>G

Gene: ACAD9 (acyl-CoA dehydrogenase family member 9; plus strand). Cytogenetic location: 3q21.3.
Variant type: single nucleotide variant.
Coding change: c.1359-2A>G on transcript NM_014049.5 (MANE Select); the canonical splice acceptor site of the intron before coding-DNA position 1359, A replaced by G.
Molecular consequence: splice acceptor variant.
Genome position (GRCh38, 1-based): chr3:128,908,971, A>G. VCF-style: chr3-128908971-A-G. GRCh37 (hg19) VCF-style: chr3-128627814-A-G.
Other names: c.990-2A>G (NM_001410805.1).
Identifiers: ClinVar variation 1068201 (VCV001068201.9), dbSNP rs2107662598, ClinGen allele CA354438176.